The following is an entry in ClinVar:

ClinVar aggregate classification (germline): Uncertain significance. Review status: criteria provided, multiple submitters, no conflicts (2 of 4 stars). 2 submissions from 2 submitters: Uncertain significance (2). Last evaluated 2021-06-01.

Conditions:
Familial thoracic aortic aneurysm and aortic dissection (TAAD). Also called: Thoracic aortic aneurysms and dissections. Identifiers: Orphanet 91387, MedGen C4707243, MONDO:0019625.
Congenital contractural arachnodactyly (CCA). Also called: Beals-Hecht syndrome; BEALS SYNDROME; Arthrogryposis, distal, type 9. Identifiers: Orphanet 115, MedGen C0220668, MONDO:0007363, OMIM 121050.

gnomAD v4.1: 3 of 1,614,134 alleles (0.00019%); highest among the groups gnomAD compares: Non-Finnish European, 0.00025%; no homozygotes.

Submissions (2):

Labcorp Genetics (formerly Invitae), Labcorp
Classification: Uncertain significance for Congenital contractural arachnodactyly. Last evaluated: 2021-06-01. Review status: criteria provided, single submitter. Criteria: Invitae Variant Classification Sherloc (09022015). Collection method: clinical testing. Allele origin: germline.
Comment: Algorithms developed to predict the effect of missense changes on protein structure and function (SIFT, PolyPhen-2, Align-GVGD) all suggest that this variant is likely to be disruptive, but these predictions have not been confirmed by published functional studies and their clinical significance is uncertain. In summary, the available evidence is currently insufficient to determine the role of this variant in disease. Therefore, it has been classified as a Variant of Uncertain Significance. This variant has not been reported in the literature in individuals with FBN2-related conditions. ClinVar contains an entry for this variant (Variation ID: 528421). This variant is not present in population databases (ExAC no frequency). This sequence change replaces glutamic acid with aspartic acid at codon 1653 of the FBN2 protein (p.Glu1653Asp). The glutamic acid residue is highly conserved and there is a small physicochemical difference between glutamic acid and aspartic acid.

Ambry Genetics
Classification: Uncertain significance for Familial thoracic aortic aneurysm and aortic dissection. Last evaluated: 2019-07-15. Review status: criteria provided, single submitter. Criteria: Ambry Variant Classification Scheme 2023. Collection method: clinical testing. Allele origin: germline.
Comment: The p.E1653D variant (also known as c.4959A>C), located in coding exon 39 of the FBN2 gene, results from an A to C substitution at nucleotide position 4959. The glutamic acid at codon 1653 is replaced by aspartic acid, an amino acid with highly similar properties. This amino acid position is highly conserved in available vertebrate species. In addition, the in silico prediction for this alteration is inconclusive. Since supporting evidence is limited at this time, the clinical significance of this alteration remains unclear.

NM_001999.4(FBN2):c.4959A>C (p.Glu1653Asp)

Gene: FBN2 (fibrillin 2; minus strand). Cytogenetic location: 5q23.3.
Variant type: single nucleotide variant.
Coding change: c.4959A>C on transcript NM_001999.4 (MANE Select); coding-DNA position 4959, A replaced by C.
Protein change: p.Glu1653Asp; replaces glutamic acid 1653 with aspartic acid.
Molecular consequence: missense variant.
Genome position (GRCh38, 1-based): chr5:128,311,415, T>G on the plus strand (A>C on the coding strand, the complement: FBN2 is on the minus strand). VCF-style: chr5-128311415-T-G. GRCh37 (hg19) VCF-style: chr5-127647107-T-G.
Other names: short protein forms E1653D.
Identifiers: ClinVar variation 528421 (VCV000528421.11), dbSNP rs1554120359, ClinGen allele CA360746273.
Genomic context (GRCh38, chr5:128,311,415, plus strand): 5'-GAAGCTCCCAAAAGTGTTGATGCAGTTTCCACCCTGGCAGAGACCTGGTAACTCCTGGCA[T>G]TCGTCAATGTCTACAAAAAGGGAGACAGTGCACTTAAAACAAACACCTTCACTAAGGATA-3'
Protein context (NP_001990.2, residues 1643-1663): PITIILEDID[Glu1653Asp]CQELPGLCQG